The following is an entry in ClinVar:

NM_004100.5(EYA4):c.733T>C (p.Phe245Leu)

Gene: EYA4 (EYA transcriptional coactivator and phosphatase 4; plus strand). Cytogenetic location: 6q23.2.
Variant type: single nucleotide variant.
Coding change: c.733T>C on transcript NM_004100.5 (MANE Select); coding-DNA position 733, T replaced by C.
Protein change: p.Phe245Leu; replaces phenylalanine 245 with leucine.
Molecular consequence: missense variant.
Genome position (GRCh38, 1-based): chr6:133,464,787, T>C. VCF-style: chr6-133464787-T-C. GRCh37 (hg19) VCF-style: chr6-133785925-T-C.
Other names: c.571T>C, p.Phe191Leu (NM_001301012.2, NM_001370459.1); c.733T>C, p.Phe245Leu (NM_001301013.2, NM_172105.4); c.664T>C, p.Phe222Leu (NM_001370458.1, NM_172103.4); short protein forms F191L, F222L, F245L.
Identifiers: ClinVar variation 3359278 (VCV003359278.1).
Genomic context (GRCh38, chr6:133,464,787, plus strand): 5'-TTATCATTTTACAAGGAATACTTTTAAAATGCAATTTGTTTTTTACCTCTAGGTTCTAGT[T>C]TTGCACCATCATCTACTATTTATGCAAATAATTCAGTTTCCAATTCAACGAATTTCAGTG-3'
Protein context (NP_004091.3, residues 235-255): PYSYQMPGSS[Phe245Leu]APSSTIYANN

ClinVar aggregate classification (germline): Uncertain significance (1 of 4 stars; one submission).

Submission:

GeneDx
Classification: Uncertain significance. Last evaluated: 2023-06-07. Review status: criteria provided, single submitter. Criteria: GeneDx Variant Classification Process June 2021. Collection method: clinical testing. Allele origin: germline. Affected: yes.
Comment: Not observed at significant frequency in large population cohorts (gnomAD); In silico analysis supports that this missense variant does not alter protein structure/function; Has not been previously published as pathogenic or benign to our knowledge